The following is an entry in ClinVar:

ClinVar aggregate classification (germline): Uncertain significance. Review status: criteria provided, multiple submitters, no conflicts (2 of 4 stars). 2 submissions from 2 submitters: Uncertain significance (2). Last evaluated 2024-07-03.

Conditions:
Hereditary cancer-predisposing syndrome. Also called: Neoplastic Syndromes, Hereditary; Hereditary neoplastic syndrome; Tumor predisposition; Hereditary Cancer Syndrome. Identifiers: Orphanet 140162, MedGen C0027672, MeSH D009386, MONDO:0015356.

Submissions (2):

Ambry Genetics
Classification: Uncertain significance for Hereditary cancer-predisposing syndrome. Last evaluated: 2024-07-03. Review status: criteria provided, single submitter. Criteria: Ambry Variant Classification Scheme 2023. Collection method: clinical testing. Allele origin: germline.
Comment: The p.I1055T variant (also known as c.3164T>C), located in coding exon 15 of the APC gene, results from a T to C substitution at nucleotide position 3164. The isoleucine at codon 1055 is replaced by threonine, an amino acid with similar properties. This amino acid position is conserved. In addition, in silico predictors for this gene do not accurately predict pathogenicity. Based on the available evidence, the clinical significance of this variant remains unclear.

Quest Diagnostics Nichols Institute San Juan Capistrano
Classification: Uncertain significance. Last evaluated: 2023-07-08. Review status: criteria provided, single submitter. Criteria: Quest Diagnostics criteria. Collection method: clinical testing. Allele origin: unknown.
Comment: To the best of our knowledge, this variant has not been reported in individuals with APC-related conditions in the published literature. It also has not been reported in large, multi-ethnic general populations (Genome Aggregation Database). Analysis of this variant using bioinformatics tools for the prediction of the effect of amino acid changes on protein structure and function yielded conflicting predictions that this variant is deleterious or benign. Based on the available information, we are unable to determine the clinical significance of this variant.

NM_000038.6(APC):c.3164T>C (p.Ile1055Thr)

Gene: APC (APC regulator of Wnt signaling pathway; plus strand). Cytogenetic location: 5q22.2.
Variant type: single nucleotide variant.
Coding change: c.3164T>C on transcript NM_000038.6 (MANE Select); coding-DNA position 3164, T replaced by C.
Protein change: p.Ile1055Thr; replaces isoleucine 1055 with threonine.
Molecular consequence: missense variant. On other transcripts: non-coding transcript variant (2).
Genome position (GRCh38, 1-based): chr5:112,838,758, T>C. VCF-style: chr5-112838758-T-C. GRCh37 (hg19) VCF-style: chr5-112174455-T-C.
Other names: c.3134T>C, p.Ile1045Thr (NM_001407452.1); c.2987T>C, p.Ile996Thr (NM_001407453.1, NM_001354901.2); c.3143T>C, p.Ile1048Thr (NM_001407451.1); c.3164T>C, p.Ile1055Thr (NM_001407450.1, NM_001127510.3, NM_001354895.2); c.3218T>C, p.Ile1073Thr (NM_001407449.1, NM_001354896.2, NM_001407447.1 and 1 more transcripts); c.2915T>C, p.Ile972Thr (NM_001407454.1, NM_001407455.1, NM_001407456.1 and 1 more transcripts); c.2861T>C, p.Ile954Thr (NM_001407458.1, NM_001407459.1, NM_001407460.1 and 1 more transcripts); c.2777T>C, p.Ile926Thr (NM_001407467.1, NM_001407469.1); and 11 more; short protein forms I1014T, I1027T, I1030T, I1037T, I1045T, I1048T, I1055T, I1065T.
Identifiers: ClinVar variation 2682144 (VCV002682144.2), dbSNP rs1554084780, ClinGen allele CA16028268.